The following is an entry in ClinVar:

ClinVar aggregate classification (germline): Likely benign (1 of 4 stars; one submission).

Conditions:
Familial cancer of breast. Also called: BREAST CANCER, FAMILIAL; Hereditary breast cancer; hereditary breast carcinoma. Identifiers: Orphanet 227535, MedGen C0346153, MONDO:0016419, OMIM 114480. Disease mechanism: loss of function.

Submission:

Myriad Genetics, Inc.
Classification: Likely benign for Familial cancer of breast. Last evaluated: 2024-04-18. Review status: criteria provided, single submitter. Criteria: Myriad Autosomal Dominant, Autosomal Recessive and X-Linked Classification Criteria (2023). Collection method: clinical testing. Allele origin: unknown.
Comment: This variant is considered likely benign. This variant is intronic and is not expected to impact mRNA splicing.

NM_000051.4(ATM):c.332-16_332-9del

Gene: ATM (ATM serine/threonine kinase; plus strand). Cytogenetic location: 11q22.3.
Variant type: Deletion.
Coding change: c.332-16_332-9del on transcript NM_000051.4 (MANE Select); 16 bases into the intron before coding-DNA position 332 through 9 bases into the intron before coding-DNA position 332, 8 bases deleted (GTTTATTT; older notation c.332-16_332-9delGTTTATTT).
Molecular consequence: intron variant.
Genome position (GRCh38, 1-based): chr11:108,235,654-108,235,661, GTTTATTT deleted; deleting any 8 consecutive bases within chr11:108,235,647-108,235,661 gives the same sequence; the c. name uses the placement nearest the transcript's 3' end. VCF-style (leftmost placement, unchanged base first): chr11-108235646-CTTTATTTG-C. GRCh37 (hg19) VCF-style: chr11-108106373-CTTTATTTG-C.
Other names: c.332-16_332-9del (NM_001351834.2).
Identifiers: ClinVar variation 3254330 (VCV003254330.1), dbSNP rs2497015249.